The following is an entry in ClinVar:

ClinVar aggregate classification (germline): Uncertain significance (1 of 4 stars; one submission).

Allele frequency attached by ClinVar (database versions not stated): gnomAD 0.00001; gnomAD exomes 0.00001; TOPMed 0.00002.
gnomAD v4.1: 12 of 1,611,072 alleles (0.00074%); highest among the groups gnomAD compares: Admixed American, 0.005%; no homozygotes.

Submission:

Labcorp Genetics (formerly Invitae), Labcorp
Classification: Uncertain significance. Last evaluated: 2022-07-05. Review status: criteria provided, single submitter. Criteria: Invitae Variant Classification Sherloc (09022015). Collection method: clinical testing. Allele origin: germline.
Comment: Algorithms developed to predict the effect of sequence changes on RNA splicing suggest that this variant may create or strengthen a splice site. Algorithms developed to predict the effect of missense changes on protein structure and function are either unavailable or do not agree on the potential impact of this missense change (SIFT: "Tolerated"; PolyPhen-2: "Probably Damaging"; Align-GVGD: "Class C0"). ClinVar contains an entry for this variant (Variation ID: 1436688). This variant has not been reported in the literature in individuals affected with CUL7-related conditions. This variant is not present in population databases (gnomAD no frequency). This sequence change replaces glycine, which is neutral and non-polar, with serine, which is neutral and polar, at codon 17 of the CUL7 protein (p.Gly17Ser). In summary, the available evidence is currently insufficient to determine the role of this variant in disease. Therefore, it has been classified as a Variant of Uncertain Significance.

NM_014780.5(CUL7):c.49G>A (p.Gly17Ser)

Gene: CUL7 (cullin 7; minus strand). Cytogenetic location: 6p21.1.
Variant type: single nucleotide variant.
Coding change: c.49G>A on transcript NM_014780.5 (MANE Select); coding-DNA position 49, G replaced by A.
Protein change: p.Gly17Ser; replaces glycine 17 with serine.
Molecular consequence: missense variant.
Genome position (GRCh38, 1-based): chr6:43,052,740, C>T on the plus strand (G>A on the coding strand, the complement: CUL7 is on the minus strand). VCF-style: chr6-43052740-C-T. GRCh37 (hg19) VCF-style: chr6-43020478-C-T.
Other names: c.49G>A, p.Gly17Ser (NM_001168370.2, NM_001374872.1, NM_001374873.1 and 1 more transcripts); short protein forms G17S.
Identifiers: ClinVar variation 1436688 (VCV001436688.9), dbSNP rs1764531739, ClinGen allele CA364231011.